The following is an entry in ClinVar:

ClinVar aggregate classification (germline): Uncertain significance (1 of 4 stars; one submission).

Submission:

Ambry Genetics
Classification: Uncertain significance. Last evaluated: 2023-06-12. Review status: criteria provided, single submitter. Criteria: Ambry Variant Classification Scheme 2023. Collection method: clinical testing. Allele origin: germline.
Comment: The p.S1381G variant (also known as c.4141A>G), located in coding exon 37 of the KIF1B gene, results from an A to G substitution at nucleotide position 4141. The serine at codon 1381 is replaced by glycine, an amino acid with similar properties. This amino acid position is conserved. In addition, the in silico prediction for this alteration is inconclusive. Since supporting evidence is limited at this time, the clinical significance of this alteration remains unclear.

NM_001365951.3(KIF1B):c.4279A>G (p.Ser1427Gly)

Gene: KIF1B (kinesin family member 1B; plus strand). Cytogenetic location: 1p36.22.
Variant type: single nucleotide variant.
Coding change: c.4279A>G on transcript NM_001365951.3 (MANE Select); coding-DNA position 4279, A replaced by G.
Protein change: p.Ser1427Gly; replaces serine 1427 with glycine.
Molecular consequence: missense variant.
Genome position (GRCh38, 1-based): chr1:10,361,800, A>G. VCF-style: chr1-10361800-A-G. GRCh37 (hg19) VCF-style: chr1-10421858-A-G.
Other names: c.4279A>G, p.Ser1427Gly (NM_001365952.1); c.4141A>G, p.Ser1381Gly (NM_015074.3); short protein forms S1381G, S1427G.
Identifiers: ClinVar variation 2560510 (VCV002560510.2), dbSNP rs2521886561, ClinGen allele CA338317767.
Genomic context (GRCh38, chr1:10,361,800, plus strand): 5'-GTCTTCTACTCCCGAGATGCCAAGATCTCACCACCACGCTCTCTGCGTAGCCTCTTTGGC[A>G]GCGGCTACTCAAAGTCACCAGATTCGTAAGTTTTTCACACAAGTTAGCTTCCAGTGTGTT-3'
Protein context (NP_001352880.1, residues 1417-1437): PPRSLRSLFG[Ser1427Gly]GYSKSPDSNR